The following is an entry in ClinVar:

NM_001267550.2(TTN):c.72C>G (p.Thr24=)

Gene: TTN (titin; minus strand). Cytogenetic location: 2q31.2.
Variant type: single nucleotide variant.
Coding change: c.72C>G on transcript NM_001267550.2 (MANE Select); coding-DNA position 72, C replaced by G.
Protein change: p.Thr24=; no amino-acid change (threonine 24 retained).
Molecular consequence: synonymous variant.
Genome position (GRCh38, 1-based): chr2:178,804,571, G>C on the plus strand (C>G on the coding strand, the complement: TTN is on the minus strand). VCF-style: chr2-178804571-G-C. GRCh37 (hg19) VCF-style: chr2-179669298-G-C.
Other names: c.72C>G, p.Thr24= (NM_001256850.1, NM_003319.4, NM_133379.5 and 3 more transcripts).
Identifiers: ClinVar variation 228146 (VCV000228146.25), dbSNP rs876657615, ClinGen allele CA10576584.

ClinVar aggregate classification (germline): Conflicting classifications of pathogenicity. Review status: criteria provided, conflicting classifications (1 of 4 stars). 9 submissions from 5 submitters: Uncertain significance (6); Likely benign (3). Last evaluated 2025-12-01.

Conditions:
Cardiovascular phenotype. Identifiers: MedGen CN230736.
Autosomal recessive limb-girdle muscular dystrophy type 2J (LGMDR10). Also called: Limb-girdle muscular dystrophy, type 2J; MUSCULAR DYSTROPHY, LIMB-GIRDLE, AUTOSOMAL RECESSIVE 10. Identifiers: Orphanet 140922, MedGen C1837342, MONDO:0012127, OMIM 608807.
Dilated cardiomyopathy 1G (CMD1G). Identifiers: Orphanet 154, MedGen C1858763, MONDO:0011400, OMIM 604145.
Early-onset myopathy with fatal cardiomyopathy (CMYO5). Also called: CONGENITAL MYOPATHY 5 WITH CARDIOMYOPATHY; Salih Myopathy. Identifiers: Orphanet 289377, MedGen C2673677, MONDO:0012714, OMIM 611705. Disease mechanism: loss of function.
Tibial muscular dystrophy (TMD). Also called: Tibial muscular dystrophy, tardive; UDD MYOPATHY; Udd Distal Myopathy – Tibial Muscular Dystrophy. Identifiers: Orphanet 609, MedGen C1838244, MONDO:0010870, OMIM 600334.
Myopathy, myofibrillar, 9, with early respiratory failure (MFM9). Also called: Hereditary myopathy with early respiratory failure; MYOPATHY, PROXIMAL, WITH EARLY RESPIRATORY MUSCLE INVOLVEMENT; Myopathy, distal, with early respiratory failure, autosomal dominant; EDSTROM MYOPATHY. Identifiers: Orphanet 178464, Orphanet 34521, MedGen C1863599, MONDO:0011362, OMIM 603689.

Allele frequency attached by ClinVar (database versions not stated): gnomAD exomes below 0.00001 and 0.00001; TOPMed 0.00001; gnomAD 0.00003.
gnomAD v4.1: 14 of 1,613,826 alleles (0.00087%); highest among the groups gnomAD compares: Non-Finnish European, 0.0011%; no homozygotes.

Submissions (9):

CeGaT Center for Human Genetics Tuebingen
Classification: Uncertain significance. Last evaluated: 2025-12-01. Review status: criteria provided, single submitter. Criteria: CeGaT Center For Human Genetics Tuebingen Variant Classification Criteria Version 2. Collection method: clinical testing. Allele origin: germline. Affected: yes. Observed: 1 variant allele.
Comment: TTN: PM2:Supporting, BP4

Labcorp Genetics (formerly Invitae), Labcorp
Classification: Likely benign for Dilated cardiomyopathy 1G; Autosomal recessive limb-girdle muscular dystrophy type 2J. Last evaluated: 2025-03-30. Review status: criteria provided, single submitter. Criteria: Invitae Variant Classification Sherloc (09022015). Collection method: clinical testing. Allele origin: germline.

Ambry Genetics
Classification: Likely benign for Cardiovascular phenotype. Last evaluated: 2018-07-08. Review status: criteria provided, single submitter. Criteria: Ambry Variant Classification Scheme 2023. Collection method: clinical testing. Allele origin: germline.

Illumina Laboratory Services, Illumina
Classification: Uncertain significance for Early-onset myopathy with fatal cardiomyopathy. Last evaluated: 2018-01-12. Review status: criteria provided, single submitter. Criteria: ICSL Variant Classification Criteria 13 December 2019. Collection method: clinical testing. Allele origin: germline.

Illumina Laboratory Services, Illumina
Classification: Uncertain significance for Dilated cardiomyopathy 1G. Last evaluated: 2018-01-12. Review status: criteria provided, single submitter. Criteria: ICSL Variant Classification Criteria 13 December 2019. Collection method: clinical testing. Allele origin: germline.

Illumina Laboratory Services, Illumina
Classification: Uncertain significance for Autosomal recessive limb-girdle muscular dystrophy type 2J. Last evaluated: 2018-01-12. Review status: criteria provided, single submitter. Criteria: ICSL Variant Classification Criteria 13 December 2019. Collection method: clinical testing. Allele origin: germline.

Illumina Laboratory Services, Illumina
Classification: Uncertain significance for Tibial muscular dystrophy. Last evaluated: 2018-01-12. Review status: criteria provided, single submitter. Criteria: ICSL Variant Classification Criteria 13 December 2019. Collection method: clinical testing. Allele origin: germline.

Illumina Laboratory Services, Illumina
Classification: Uncertain significance for Myopathy, myofibrillar, 9, with early respiratory failure. Last evaluated: 2018-01-12. Review status: criteria provided, single submitter. Criteria: ICSL Variant Classification Criteria 13 December 2019. Collection method: clinical testing. Allele origin: germline.

Laboratory for Molecular Medicine, Mass General Brigham Personalized Medicine
Classification: Likely benign. Last evaluated: 2015-04-01. Review status: criteria provided, single submitter. Criteria: LMM Criteria. Collection method: clinical testing. Allele origin: germline. Observed: 1 variant allele.
Comment: p.Thr24Thr in exon 2 of TTN: This variant is not expected to have clinical signi ficance because it does not alter an amino acid residue and is not located withi n the splice consensus sequence.